The following is an entry in ClinVar:

NM_000540.3(RYR1):c.713A>T (p.Asp238Val)

Gene: RYR1 (ryanodine receptor 1; plus strand). Cytogenetic location: 19q13.2.
Variant type: single nucleotide variant.
Coding change: c.713A>T on transcript NM_000540.3 (MANE Select); coding-DNA position 713, A replaced by T.
Protein change: p.Asp238Val; replaces aspartic acid 238 with valine.
Molecular consequence: missense variant.
Genome position (GRCh38, 1-based): chr19:38,446,553, A>T. VCF-style: chr19-38446553-A-T. GRCh37 (hg19) VCF-style: chr19-38937193-A-T.
Other names: c.713A>T, p.Asp238Val (NM_001042723.2); short protein forms D238V.
Identifiers: ClinVar variation 3071054 (VCV003071054.1), dbSNP rs1158222952, ClinGen allele CA405679821.

ClinVar aggregate classification (germline): Uncertain significance (1 of 4 stars; one submission).

Conditions:
Malignant hyperthermia, susceptibility to, 1 (MHS1). Also called: Anesthesia related hyperthermia; Malignant hyperpyrexia; Fulminating hyperpyrexia; Pharmacogenic myopathy; RYR1-Related Malignant Hyperthermia Susceptibility; Malignant hyperthermia suceptibility 1. Identifiers: Orphanet 423, MedGen C2930980, MONDO:0007783, OMIM 145600.

Allele frequency attached by ClinVar (database versions not stated): gnomAD exomes 0.00001.
gnomAD v4.1: 3 of 1,614,034 alleles (0.00019%); highest among the groups gnomAD compares: South Asian, 0.0033%; no homozygotes.

Submission:

All of Us Research Program, National Institutes of Health
Classification: Uncertain significance for Malignant hyperthermia, susceptibility to, 1. Last evaluated: 2023-05-16. Review status: criteria provided, single submitter. Criteria: ACMG Guidelines, 2015. Collection method: clinical testing. Allele origin: germline. Inheritance: Autosomal dominant inheritance. Observed: 1 variant allele, 1 heterozygote.
Comment: This missense variant replaces aspartic acid with valine at codon 238 of the RYR1 protein. Computational prediction is inconclusive regarding the impact of this variant on protein structure and function (internally defined REVEL score threshold 0.5 < inconclusive < 0.7, PMID: 27666373). To our knowledge, functional studies have not been reported for this variant. This variant has not been reported in individuals affected with RYR1-related disorders in the literature. This variant has been identified in 1/251468 chromosomes in the general population by the Genome Aggregation Database (gnomAD). The available evidence is insufficient to determine the role of this variant in disease conclusively. Therefore, this variant is classified as a Variant of Uncertain Significance.

This study involves interpretation of variants in research participants for the purpose of population health screening. Participant phenotype was not available at the time of variant classification. Additional details can be found in publication PMID: 35346344, PMCID: PMC8962531